The following is an entry in ClinVar:

NM_014055.4(IFT81):c.1537C>T (p.Gln513Ter)

Gene: IFT81 (intraflagellar transport 81; plus strand). Cytogenetic location: 12q24.11.
Variant type: single nucleotide variant.
Coding change: c.1537C>T on transcript NM_014055.4 (MANE Select); coding-DNA position 1537, C replaced by T.
Protein change: p.Gln513Ter; replaces glutamine 513 with a stop codon.
Molecular consequence: nonsense. On other transcripts: non-coding transcript variant (4).
Genome position (GRCh38, 1-based): chr12:110,192,686, C>T. VCF-style: chr12-110192686-C-T. GRCh37 (hg19) VCF-style: chr12-110630491-C-T.
Other names: c.1537C>T, p.Gln513Ter (NM_001143779.2); c.607C>T, p.Gln203Ter (NM_001347947.2, NM_001347948.2); short protein forms Q203*, Q513*.
Identifiers: ClinVar variation 2020725 (VCV002020725.4), dbSNP rs2500007212, ClinGen allele CA386906365.
Genomic context (GRCh38, chr12:110,192,686, plus strand): 5'-CTGTATTCATTGGTATCTGAAAAGAAGTCAGCTCTTGCCTCAGTTATAAAAGAGCTACGA[C>T]AGTTGCGTCAAAAATATCAAGTAAGTTTTTGATTTTATCAAGTAATTTGATTTTATGATA-3'

ClinVar aggregate classification (germline): Pathogenic (1 of 4 stars; one submission).

Allele frequency attached by ClinVar (database versions not stated): gnomAD exomes below 0.00001.
gnomAD v4.1: 1 of 1,575,422 alleles (0.000063%); highest among the groups gnomAD compares: Non-Finnish European, 0.000086%; no homozygotes.

Submission:

Labcorp Genetics (formerly Invitae), Labcorp
Classification: Pathogenic. Last evaluated: 2022-09-27. Review status: criteria provided, single submitter. Criteria: Invitae Variant Classification Sherloc (09022015). Collection method: clinical testing. Allele origin: germline.
Comment: This sequence change creates a premature translational stop signal (p.Gln513*) in the IFT81 gene. It is expected to result in an absent or disrupted protein product. Loss-of-function variants in IFT81 are known to be pathogenic (PMID: 26275418, 27666822). For these reasons, this variant has been classified as Pathogenic. This variant has not been reported in the literature in individuals affected with IFT81-related conditions. This variant is not present in population databases (gnomAD no frequency).

Literature cited by the submitters: PubMed 26275418; PubMed 27666822.